The following is an entry in ClinVar:

ClinVar aggregate classification (germline): Uncertain significance (1 of 4 stars; one submission).

gnomAD v4.1: 1 of 1,613,908 alleles (0.000062%); highest among the groups gnomAD compares: Non-Finnish European, 0.000085%; no homozygotes.

Submission:

Labcorp Genetics (formerly Invitae), Labcorp
Classification: Uncertain significance. Last evaluated: 2023-05-04. Review status: criteria provided, single submitter. Criteria: Invitae Variant Classification Sherloc (09022015). Collection method: clinical testing. Allele origin: germline.
Comment: In summary, the available evidence is currently insufficient to determine the role of this variant in disease. Therefore, it has been classified as a Variant of Uncertain Significance. An algorithm developed to predict the effect of missense changes on protein structure and function (PolyPhen-2) suggests that this variant is likely to be disruptive. ClinVar contains an entry for this variant (Variation ID: 2047347). This variant has not been reported in the literature in individuals affected with MICAL1-related conditions. This variant is not present in population databases (gnomAD no frequency). This sequence change replaces arginine, which is basic and polar, with proline, which is neutral and non-polar, at codon 535 of the MICAL1 protein (p.Arg535Pro).

NM_022765.4(MICAL1):c.1547G>C (p.Arg516Pro)

Gene: MICAL1 (microtubule associated monooxygenase, calponin and LIM domain containing 1; minus strand). Cytogenetic location: 6q21.
Variant type: single nucleotide variant.
Coding change: c.1547G>C on transcript NM_022765.4 (MANE Select); coding-DNA position 1547, G replaced by C.
Protein change: p.Arg516Pro; replaces arginine 516 with proline.
Molecular consequence: missense variant.
Genome position (GRCh38, 1-based): chr6:109,448,849, C>G on the plus strand (G>C on the coding strand, the complement: MICAL1 is on the minus strand). VCF-style: chr6-109448849-C-G. GRCh37 (hg19) VCF-style: chr6-109770052-C-G.
Other names: c.1289G>C, p.Arg430Pro (NM_001159291.2); c.1604G>C, p.Arg535Pro (NM_001286613.2); short protein forms R516P, R535P, R430P.
Identifiers: ClinVar variation 2047347 (VCV002047347.4), dbSNP rs139689509, ClinGen allele CA365229444.
Genomic context (GRCh38, chr6:109,448,849, plus strand): 5'-GAGGAAGACAAATCGGAGACGTGGACTCCCGGGTACCCAGCTGTCTGCTCCTGGCACCAG[C>G]GTAGCAGCTCCTCCTGGGTGCCTGCCGACCCTGGGAAAGAAGGCTGTGCTGTGCCCAAGG-3'
Protein context (NP_073602.3, residues 506-526): GSAGTQEELL[Arg516Pro]WCQEQTAGYP